The following is an entry in ClinVar:

NM_006277.3(ITSN2):c.3696C>T (p.Val1232=)

Gene: ITSN2 (intersectin 2; minus strand). Cytogenetic location: 2p23.3.
Variant type: single nucleotide variant.
Coding change: c.3696C>T on transcript NM_006277.3 (MANE Select); coding-DNA position 3696, C replaced by T.
Protein change: p.Val1232=; no amino-acid change (valine 1232 retained).
Molecular consequence: synonymous variant.
Genome position (GRCh38, 1-based): chr2:24,220,948, G>A on the plus strand (C>T on the coding strand, the complement: ITSN2 is on the minus strand). VCF-style: chr2-24220948-G-A. GRCh37 (hg19) VCF-style: chr2-24443817-G-A.
Other names: c.3696C>T (NM_006277.2); c.3654C>T, p.Val1218= (NM_001348181.2); c.3576C>T, p.Val1192= (NM_001348182.2); c.3615C>T, p.Val1205= (NM_019595.4); c.3696C>T, p.Val1232= (NM_147152.3).
Identifiers: ClinVar variation 2721055 (VCV002721055.5), dbSNP rs369405758, ClinGen allele CA1550843.

ClinVar aggregate classification (germline): Likely benign. Review status: criteria provided, single submitter (1 of 4 stars). 2 submissions from 2 submitters: Likely benign (1). 1 of the submissions does not count toward it. Last evaluated 2024-01-22.

Conditions:
ITSN2-related disorder. Also called: ITSN2-related condition.

Allele frequency attached by ClinVar (database versions not stated): gnomAD 0.00007; ESP Exome Variant Server 0.00008; TOPMed 0.00011.
gnomAD v4.1: 91 of 1,595,096 alleles (0.0057%); highest among the groups gnomAD compares: Middle Eastern, 0.017%; no homozygotes.

Submissions (2):

Labcorp Genetics (formerly Invitae), Labcorp
Classification: Likely benign. Last evaluated: 2024-01-22. Review status: criteria provided, single submitter. Criteria: Invitae Variant Classification Sherloc (09022015). Collection method: clinical testing. Allele origin: germline.

PreventionGenetics, part of Exact Sciences
Classification: Likely benign for ITSN2-related condition. Last evaluated: 2022-12-19. Review status: no assertion criteria provided. Collection method: clinical testing. Allele origin: germline. Not counted in ClinVar's aggregate classification.
Comment: This variant is classified as likely benign based on ACMG/AMP sequence variant interpretation guidelines (Richards et al. 2015 PMID: 25741868, with internal and published modifications).